The following is an entry in ClinVar:

NM_004171.4(SLC1A2):c.1643A>T (p.Asp548Val)

Gene: SLC1A2 (solute carrier family 1 member 2; minus strand). Cytogenetic location: 11p13.
Variant type: single nucleotide variant.
Coding change: c.1643A>T on transcript NM_004171.4 (MANE Select); coding-DNA position 1643, A replaced by T.
Protein change: p.Asp548Val; replaces aspartic acid 548 with valine.
Molecular consequence: missense variant.
Genome position (GRCh38, 1-based): chr11:35,265,537, T>A on the plus strand (A>T on the coding strand, the complement: SLC1A2 is on the minus strand). VCF-style: chr11-35265537-T-A. GRCh37 (hg19) VCF-style: chr11-35287084-T-A.
Other names: c.1616A>T, p.Asp539Val (NM_001195728.3, NM_001252652.2); short protein forms D539V, D548V.
Identifiers: ClinVar variation 1466550 (VCV001466550.8), dbSNP rs1950467310, ClinGen allele CA380118363.

ClinVar aggregate classification (germline): Uncertain significance (1 of 4 stars; one submission).

Submission:

Labcorp Genetics (formerly Invitae), Labcorp
Classification: Uncertain significance. Last evaluated: 2022-08-16. Review status: criteria provided, single submitter. Criteria: Invitae Variant Classification Sherloc (09022015). Collection method: clinical testing. Allele origin: germline.
Comment: This sequence change replaces aspartic acid, which is acidic and polar, with valine, which is neutral and non-polar, at codon 548 of the SLC1A2 protein (p.Asp548Val). This variant is not present in population databases (gnomAD no frequency). This variant has not been reported in the literature in individuals affected with SLC1A2-related conditions. ClinVar contains an entry for this variant (Variation ID: 1466550). Algorithms developed to predict the effect of missense changes on protein structure and function are either unavailable or do not agree on the potential impact of this missense change (SIFT: "Deleterious"; PolyPhen-2: "Possibly Damaging"; Align-GVGD: "Class C15"). In summary, the available evidence is currently insufficient to determine the role of this variant in disease. Therefore, it has been classified as a Variant of Uncertain Significance.